The following is an entry in ClinVar:

ClinVar aggregate classification (germline): Likely benign. Review status: criteria provided, single submitter (1 of 4 stars). 2 submissions from 2 submitters: Likely benign (1). 1 of the submissions does not count toward it. Last evaluated 2025-08-12.

Conditions:
Osteogenesis imperfecta type I (OI1). Also called: OI, TYPE I; OSTEOGENESIS IMPERFECTA TARDA; OSTEOGENESIS IMPERFECTA WITH BLUE SCLERAE; Osteogenesis imperfecta type 1; Lobstein's Disease; Lobstein disease. Identifiers: Orphanet 216796, Orphanet 666, MedGen C0023931, MONDO:0008146, OMIM 166200. Disease mechanism: loss of function.
COL1A1-related disorder. Also called: COL1A1- related disease; COL1A1-related condition.

gnomAD v4.1: 39 of 1,596,340 alleles (0.0024%); highest among the groups gnomAD compares: African/African-American, 0.0094%; no homozygotes.

Submissions (2):

Labcorp Genetics (formerly Invitae), Labcorp
Classification: Likely benign for Osteogenesis imperfecta type I. Last evaluated: 2025-08-12. Review status: criteria provided, single submitter. Criteria: Invitae Variant Classification Sherloc (09022015). Collection method: clinical testing. Allele origin: germline.

PreventionGenetics, part of Exact Sciences
Classification: Likely benign for COL1A1-related condition. Last evaluated: 2019-03-22. Review status: no assertion criteria provided. Collection method: clinical testing. Allele origin: germline. Not counted in ClinVar's aggregate classification.
Comment: This variant is classified as likely benign based on ACMG/AMP sequence variant interpretation guidelines (Richards et al. 2015 PMID: 25741868, with internal and published modifications).

NM_000088.4(COL1A1):c.1515+15C>T

Gene: COL1A1 (collagen type I alpha 1 chain; minus strand). Cytogenetic location: 17q21.33.
Variant type: single nucleotide variant.
Coding change: c.1515+15C>T on transcript NM_000088.4 (MANE Select); 15 bases into the intron after coding-DNA position 1515, C replaced by T.
Molecular consequence: intron variant.
Genome position (GRCh38, 1-based): chr17:50,194,558, G>A on the plus strand (C>T on the coding strand, the complement: COL1A1 is on the minus strand). VCF-style: chr17-50194558-G-A. GRCh37 (hg19) VCF-style: chr17-48271919-G-A.
Other names: c.1515+15C>T (NM_000088.3).
Identifiers: ClinVar variation 1629466 (VCV001629466.10), dbSNP rs758006385, ClinGen allele CA8645228.